The following is an entry in ClinVar:

NC_012920.1(MT-CYB):m.15221G>A

Gene: MT-CYB (mitochondrially encoded cytochrome b; plus strand).
Variant type: single nucleotide variant.
Genome position: chrM-15221-G-A.
Identifiers: ClinVar variation 693844 (VCV000693844.1), dbSNP rs1603225157, ClinGen allele CA913173277.

ClinVar aggregate classification (germline): Benign (1 of 4 stars; one submission).

Conditions:
Leigh syndrome (NULS). Also called: Leigh's necrotizing encephalopathy; Leigh's disease; Leigh's syndrome; LEIGH SYNDROME, NUCLEAR; Leigh Syndrome (mtDNA deletion); Leigh Disease. Identifiers: Orphanet 506, MedGen C2931891, MONDO:0009723, OMIM 256000.

Submission:

Wong Mito Lab, Molecular and Human Genetics, Baylor College of Medicine
Classification: Benign for Leigh syndrome. Last evaluated: 2019-10-17. Review status: criteria provided, single submitter. Criteria: Modified ACMG Guidelines (Unpublished). Collection method: clinical testing. Allele origin: germline.
Comment: The NC_012920.1:m.15221G>A (YP_003024038.1:p.Asp159Asn) variant in MTCYB gene is interpretated to be a Benign variant based on the modified ACMG guidelines (unpublished). This variant meets the following evidence codes: BS1, BS2, BP4